The following is an entry in ClinVar:

ClinVar aggregate classification (germline): Uncertain significance (1 of 4 stars; one submission).

Conditions:
Multiple endocrine neoplasia type 4. Also called: MULTIPLE ENDOCRINE NEOPLASIA, TYPE IV. Identifiers: Orphanet 276152, MedGen C1970712, MONDO:0012552, OMIM 610755.

Submission:

Labcorp Genetics (formerly Invitae), Labcorp
Classification: Uncertain significance for Multiple endocrine neoplasia type 4. Last evaluated: 2026-01-05. Review status: criteria provided, single submitter. Criteria: Invitae Variant Classification Sherloc (09022015). Collection method: clinical testing. Allele origin: germline.
Comment: This sequence change replaces serine, which is neutral and polar, with glycine, which is neutral and non-polar, at codon 83 of the CDKN1B protein (p.Ser83Gly). This variant is not present in population databases (gnomAD no frequency). This variant has not been reported in the literature in individuals affected with CDKN1B-related conditions. ClinVar contains an entry for this variant (Variation ID: 2828299). An algorithm developed to predict the effect of missense changes on protein structure and function (PolyPhen-2) suggests that this variant is likely to be tolerated. In summary, the available evidence is currently insufficient to determine the role of this variant in disease. Therefore, it has been classified as a Variant of Uncertain Significance.

NM_004064.5(CDKN1B):c.247A>G (p.Ser83Gly)

Gene: CDKN1B (cyclin dependent kinase inhibitor 1B; plus strand). Cytogenetic location: 12p13.1.
Variant type: single nucleotide variant.
Coding change: c.247A>G on transcript NM_004064.5 (MANE Select); coding-DNA position 247, A replaced by G.
Protein change: p.Ser83Gly; replaces serine 83 with glycine.
Molecular consequence: missense variant.
Genome position (GRCh38, 1-based): chr12:12,718,086, A>G. VCF-style: chr12-12718086-A-G. GRCh37 (hg19) VCF-style: chr12-12871020-A-G.
Other names: short protein forms S83G.
Identifiers: ClinVar variation 2828299 (VCV002828299.3), dbSNP rs2497404840, ClinGen allele CA383969777.
Genomic context (GRCh38, chr12:12,718,086, plus strand): 5'-GATTTTCAGAATCACAAACCCCTAGAGGGCAAGTACGAGTGGCAAGAGGTGGAGAAGGGC[A>G]GCTTGCCCGAGTTCTACTACAGACCCCCGCGGCCCCCCAAAGGTGCCTGCAAGGTGCCGG-3'
Protein context (NP_004055.1, residues 73-93): KYEWQEVEKG[Ser83Gly]LPEFYYRPPR